The following is an entry in ClinVar:

NM_000169.3(GLA):c.892A>C (p.Asn298His)

Genes: GLA (galactosidase alpha; minus strand), RPL36A-HNRNPH2 (RPL36A-HNRNPH2 readthrough; plus strand). Cytogenetic location: Xq22.1.
Variant type: single nucleotide variant.
Coding change: c.892A>C on transcript NM_000169.3 (MANE Select); coding-DNA position 892, A replaced by C.
Protein change: p.Asn298His; replaces asparagine 298 with histidine.
Molecular consequence: missense variant. On other transcripts: non-coding transcript variant (3), intron variant (2).
Genome position (GRCh38, 1-based): chrX:101,398,477, T>G on the plus strand (A>C on the coding strand, the complement: GLA is on the minus strand). VCF-style: chrX-101398477-T-G. GRCh37 (hg19) VCF-style: chrX-100653465-T-G.
Other names: c.1015A>C, p.Asn339His (NM_001406747.1); c.892A>C, p.Asn298His (NM_001406748.1); c.300+3020T>G (NM_001199973.2); c.177+6655T>G (NM_001199974.2); short protein forms N298H, N339H.
Identifiers: ClinVar variation 4087567 (VCV004087567.2).

ClinVar aggregate classification (germline): Likely pathogenic (1 of 4 stars; one submission).

Conditions:
Fabry disease. Also called: ALPHA-GALACTOSIDASE A DEFICIENCY; ANDERSON-FABRY DISEASE; CERAMIDE TRIHEXOSIDASE DEFICIENCY; GLA DEFICIENCY; HEREDITARY DYSTOPIC LIPIDOSIS; Angiokeratoma corporis diffusum. Identifiers: Orphanet 324, MedGen C0002986, MONDO:0010526, OMIM 301500, HP:0001071. Disease mechanism: Fabry disease is due to inactivating mutations in the X-linked GLA gene resulting in deficiency of the enzyme Alpha Galactosidase-A., loss of function.

Submission:

Genomenon, Inc
Classification: Likely pathogenic for Fabry disease. Last evaluated: 2026-09-08. Review status: criteria provided, single submitter. Criteria: Genomenon Sequence Variant Interpretation Standards - Updated. Collection method: curation. Allele origin: germline. Affected: yes.
Comment: GLA p.Asn298His (c.892A>C) is a missense variant that changes the amino acid at codon 298 from Asparagine to Histidine. This variant has been observed in at least one proband with clinical features consistent with Fabry disease (PMID:11668641;20576773;23546814). At least one functional study has demonstrated a substantial alteration in protein function relative to the wild-type (PMID:27657681). It is absent or not present at a significant frequency in gnomAD. In silico models predict that this variant is possibly or probably damaging. In conclusion, we classify GLA p.Asn298His (c.892A>C) as a likely pathogenic variant.

Literature cited by the submitters: PubMed 11668641; PubMed 20576773; PubMed 23546814; PubMed 27657681.